The following is an entry in ClinVar:

ClinVar aggregate classification (germline): Uncertain significance. Review status: criteria provided, multiple submitters, no conflicts (2 of 4 stars). 5 submissions from 4 submitters: Uncertain significance (5). Last evaluated 2024-03-21.

Conditions:
Sessile serrated polyposis cancer syndrome (SSPCS). Identifiers: Orphanet 157798, MedGen C4310714, MONDO:0014919, OMIM 617108.

gnomAD v4.1: 52 of 1,614,024 alleles (0.0032%); highest among the groups gnomAD compares: Admixed American, 0.022%; no homozygotes.

Submissions (5):

Baylor Genetics
Classification: Uncertain significance for Sessile serrated polyposis cancer syndrome. Last evaluated: 2024-03-21. Review status: criteria provided, single submitter. Criteria: ACMG Guidelines, 2015. Collection method: clinical testing. Allele origin: unknown.

GeneDx
Classification: Uncertain significance. Last evaluated: 2024-03-15. Review status: criteria provided, single submitter. Criteria: GeneDx Variant Classification Process June 2021. Collection method: clinical testing. Allele origin: germline. Affected: yes.
Comment: In silico analysis supports that this missense variant does not alter protein structure/function; Has not been previously published as pathogenic or benign to our knowledge; Variants in candidate genes are classified as variants of uncertain significance in accordance with ACMG guidelines (PMID: 25741868)

Fulgent Genetics
Classification: Uncertain significance for Sessile serrated polyposis cancer syndrome. Last evaluated: 2024-01-02. Review status: criteria provided, single submitter. Criteria: ACMG Guidelines, 2015. Collection method: clinical testing. Allele origin: germline.

Labcorp Genetics (formerly Invitae), Labcorp
Classification: Uncertain significance. Last evaluated: 2023-10-29. Review status: criteria provided, single submitter. Criteria: Invitae Variant Classification Sherloc (09022015). Collection method: clinical testing. Allele origin: germline.
Comment: This sequence change replaces arginine, which is basic and polar, with glutamine, which is neutral and polar, at codon 657 of the RNF43 protein (p.Arg657Gln). This variant is present in population databases (rs142097313, gnomAD 0.03%). This variant has not been reported in the literature in individuals affected with RNF43-related conditions. ClinVar contains an entry for this variant (Variation ID: 1327086). An algorithm developed to predict the effect of missense changes on protein structure and function (PolyPhen-2) suggests that this variant is likely to be disruptive. In summary, the available evidence is currently insufficient to determine the role of this variant in disease. Therefore, it has been classified as a Variant of Uncertain Significance.

Baylor Genetics
Classification: Uncertain significance for Sessile serrated polyposis cancer syndrome. Last evaluated: 2021-01-26. Review status: criteria provided, single submitter. Criteria: ACMG Guidelines, 2015. Collection method: clinical testing. Allele origin: maternal. Affected: yes. Study: CSER-TexasKidsCanSeq.
Comment: This variant was determined to be of uncertain significance according to ACMG Guidelines, 2015 [PMID:25741868].

NM_017763.6(RNF43):c.1970G>A (p.Arg657Gln)

Gene: RNF43 (ring finger protein 43; minus strand). Cytogenetic location: 17q22.
Variant type: single nucleotide variant.
Coding change: c.1970G>A on transcript NM_017763.6 (MANE Select); coding-DNA position 1970, G replaced by A.
Protein change: p.Arg657Gln; replaces arginine 657 with glutamine.
Molecular consequence: missense variant.
Genome position (GRCh38, 1-based): chr17:58,357,806, C>T on the plus strand (G>A on the coding strand, the complement: RNF43 is on the minus strand). VCF-style: chr17-58357806-C-T. GRCh37 (hg19) VCF-style: chr17-56435167-C-T.
Other names: c.1970G>A (NM_017763.4); c.1970G>A, p.Arg657Gln (NM_001305544.3); c.1589G>A, p.Arg530Gln (NM_001305545.2); short protein forms R530Q, R657Q.
Identifiers: ClinVar variation 1327086 (VCV001327086.13), dbSNP rs142097313, ClinGen allele CA8673084.